The following is an entry in ClinVar:

ClinVar aggregate classification (germline): Uncertain significance. Review status: criteria provided, multiple submitters, no conflicts (2 of 4 stars). 3 submissions from 3 submitters: Uncertain significance (3). Last evaluated 2025-03-04.

Conditions:
Hereditary cancer-predisposing syndrome. Also called: Hereditary neoplastic syndrome; Neoplastic Syndromes, Hereditary; Tumor predisposition; Hereditary Cancer Syndrome. Identifiers: Orphanet 140162, MedGen C0027672, MeSH D009386, MONDO:0015356.
Familial adenomatous polyposis 1 (FAP1). Also called: FAMILIAL ADENOMATOUS POLYPOSIS 1, ATTENUATED; POLYPOSIS, ADENOMATOUS INTESTINAL. Identifiers: MedGen C2713442, MONDO:0021056, OMIM 175100. Disease mechanism: loss of function.

gnomAD v4.1: 2 of 1,614,064 alleles (0.00012%); highest among the groups gnomAD compares: Non-Finnish European, 0.00017%; no homozygotes.

Submissions (3):

Center for Genomic Medicine, Rigshospitalet, Copenhagen University Hospital
Classification: Uncertain significance. Last evaluated: 2025-03-04. Review status: criteria provided, single submitter. Criteria: ACMG Guidelines, 2015. Collection method: clinical testing. Allele origin: germline.

Ambry Genetics
Classification: Uncertain significance for Hereditary cancer-predisposing syndrome. Last evaluated: 2023-06-16. Review status: criteria provided, single submitter. Criteria: Ambry Variant Classification Scheme 2023. Collection method: clinical testing. Allele origin: germline.
Comment: The p.P1665S variant (also known as c.4993C>T), located in coding exon 15 of the APC gene, results from a C to T substitution at nucleotide position 4993. The proline at codon 1665 is replaced by serine, an amino acid with similar properties. This amino acid position is conserved. In addition, in silico predictors for this gene do not accurately predict pathogenicity. Since supporting evidence is limited at this time, the clinical significance of this alteration remains unclear.

Labcorp Genetics (formerly Invitae), Labcorp
Classification: Uncertain significance for Familial adenomatous polyposis 1. Last evaluated: 2022-03-07. Review status: criteria provided, single submitter. Criteria: Invitae Variant Classification Sherloc (09022015). Collection method: clinical testing. Allele origin: germline.
Comment: In summary, the available evidence is currently insufficient to determine the role of this variant in disease. Therefore, it has been classified as a Variant of Uncertain Significance. Algorithms developed to predict the effect of missense changes on protein structure and function are either unavailable or do not agree on the potential impact of this missense change (SIFT: "Deleterious"; PolyPhen-2: "Probably Damaging"; Align-GVGD: "Class C0"). ClinVar contains an entry for this variant (Variation ID: 1006663). This variant has not been reported in the literature in individuals affected with APC-related conditions. This variant is not present in population databases (gnomAD no frequency). This sequence change replaces proline, which is neutral and non-polar, with serine, which is neutral and polar, at codon 1665 of the APC protein (p.Pro1665Ser).

NM_000038.6(APC):c.4993C>T (p.Pro1665Ser)

Gene: APC (APC regulator of Wnt signaling pathway; plus strand). Cytogenetic location: 5q22.2.
Variant type: single nucleotide variant.
Coding change: c.4993C>T on transcript NM_000038.6 (MANE Select); coding-DNA position 4993, C replaced by T.
Protein change: p.Pro1665Ser; replaces proline 1665 with serine.
Molecular consequence: missense variant.
Genome position (GRCh38, 1-based): chr5:112,840,587, C>T. VCF-style: chr5-112840587-C-T. GRCh37 (hg19) VCF-style: chr5-112176284-C-T.
Other names: c.4993C>T, p.Pro1665Ser (NM_001127510.3, NM_001354895.2); c.4939C>T, p.Pro1647Ser (NM_001127511.3); c.5047C>T, p.Pro1683Ser (NM_001354896.2); c.5023C>T, p.Pro1675Ser (NM_001354897.2); c.4918C>T, p.Pro1640Ser (NM_001354898.2); c.4909C>T, p.Pro1637Ser (NM_001354899.2); c.4870C>T, p.Pro1624Ser (NM_001354900.2); c.4816C>T, p.Pro1606Ser (NM_001354901.2); and 6 more; short protein forms P1382S, P1505S, P1539S, P1564S, P1574S, P1606S, P1624S, P1637S.
Identifiers: ClinVar variation 1006663 (VCV001006663.10), dbSNP rs1561596883, ClinGen allele CA16032260.
Genomic context (GRCh38, chr5:112,840,587, plus strand): 5'-GAAGGGACACCTATAAACTTTTCCACAGCTACATCTCTAAGTGATCTAACAATCGAATCC[C>T]CTCCAAATGAGTTAGCTGCTGGAGAAGGAGTTAGAGGAGGGGCACAGTCAGGTGAATTTG-3'
Protein context (NP_000029.2, residues 1655-1675): TSLSDLTIES[Pro1665Ser]PNELAAGEGV